The following is an entry in ClinVar:

NM_032043.3(BRIP1):c.3666A>C (p.Glu1222Asp)

Gene: BRIP1 (BRCA1 interacting DNA helicase 1; minus strand). Cytogenetic location: 17q23.2.
Variant type: single nucleotide variant.
Coding change: c.3666A>C on transcript NM_032043.3 (MANE Select); coding-DNA position 3666, A replaced by C.
Protein change: p.Glu1222Asp; replaces glutamic acid 1222 with aspartic acid.
Molecular consequence: missense variant.
Genome position (GRCh38, 1-based): chr17:61,683,380, T>G on the plus strand (A>C on the coding strand, the complement: BRIP1 is on the minus strand). VCF-style: chr17-61683380-T-G. GRCh37 (hg19) VCF-style: chr17-59760741-T-G.
Other names: short protein forms E1222D.
Identifiers: ClinVar variation 4630904 (VCV004630904.2).

ClinVar aggregate classification (germline): Uncertain significance. Review status: criteria provided, multiple submitters, no conflicts (2 of 4 stars). 2 submissions from 2 submitters: Uncertain significance (2). Last evaluated 2025-10-09.

Conditions:
Hereditary cancer-predisposing syndrome. Also called: Neoplastic Syndromes, Hereditary; Tumor predisposition; Hereditary neoplastic syndrome; Hereditary Cancer Syndrome. Identifiers: Orphanet 140162, MedGen C0027672, MeSH D009386, MONDO:0015356.

gnomAD v4.1: 1 of 1,612,886 alleles (0.000062%); highest among the groups gnomAD compares: Non-Finnish European, 0.000085%; no homozygotes.

Submissions (2):

Ambry Genetics
Classification: Uncertain significance for Hereditary cancer-predisposing syndrome. Last evaluated: 2025-10-09. Review status: criteria provided, single submitter. Criteria: Ambry Variant Classification Scheme 2023. Collection method: clinical testing. Allele origin: germline.
Comment: The p.E1222D variant (also known as c.3666A>C), located in coding exon 19 of the BRIP1 gene, results from an A to C substitution at nucleotide position 3666. The glutamic acid at codon 1222 is replaced by aspartic acid, an amino acid with highly similar properties. This amino acid position is conserved. In addition, this alteration is predicted to be tolerated by in silico analysis. Based on the available evidence, the clinical significance of this variant remains unclear.

Blueprint Genetics
Classification: Uncertain significance. Last evaluated: 2022-07-11. Review status: criteria provided, single submitter. Criteria: ACMG Guidelines, 2015. Collection method: clinical testing. Allele origin: germline.